The following is an entry in ClinVar:

NM_001170629.2(CHD8):c.7045G>C (p.Val2349Leu)

Genes: CHD8 (chromodomain helicase DNA binding protein 8; minus strand), LOC126861888 (CDK7 strongly-dependent group 2 enhancer GRCh37_chr14:21859227-21860426; plus strand). Cytogenetic location: 14q11.2.
Variant type: single nucleotide variant.
Coding change: c.7045G>C on transcript NM_001170629.2 (MANE Select); coding-DNA position 7045, G replaced by C.
Protein change: p.Val2349Leu; replaces valine 2349 with leucine.
Molecular consequence: missense variant.
Genome position (GRCh38, 1-based): chr14:21,391,483, C>G on the plus strand (G>C on the coding strand, the complement: CHD8 is on the minus strand). VCF-style: chr14-21391483-C-G. GRCh37 (hg19) VCF-style: chr14-21859642-C-G.
Other names: c.6208G>C, p.Val2070Leu (NM_020920.4); short protein forms V2070L, V2349L.
Identifiers: ClinVar variation 1387802 (VCV001387802.9), dbSNP rs754271832, ClinGen allele CA7090623.

ClinVar aggregate classification (germline): Uncertain significance. Review status: criteria provided, multiple submitters, no conflicts (2 of 4 stars). 2 submissions from 2 submitters: Uncertain significance (2). Last evaluated 2024-05-06.

Allele frequency attached by ClinVar (database versions not stated): ExAC 0.00001; gnomAD 0.00001; TOPMed 0.00003.
gnomAD v4.1: 4 of 1,613,754 alleles (0.00025%); highest among the groups gnomAD compares: South Asian, 0.0022%; no homozygotes.

Submissions (2):

Labcorp Genetics (formerly Invitae), Labcorp
Classification: Uncertain significance. Last evaluated: 2024-05-06. Review status: criteria provided, single submitter. Criteria: Invitae Variant Classification Sherloc (09022015). Collection method: clinical testing. Allele origin: germline.
Comment: This sequence change replaces valine, which is neutral and non-polar, with leucine, which is neutral and non-polar, at codon 2349 of the CHD8 protein (p.Val2349Leu). This variant is present in population databases (rs754271832, gnomAD 0.003%). This variant has not been reported in the literature in individuals affected with CHD8-related conditions. ClinVar contains an entry for this variant (Variation ID: 1387802). Advanced modeling of protein sequence and biophysical properties (such as structural, functional, and spatial information, amino acid conservation, physicochemical variation, residue mobility, and thermodynamic stability) performed at Invitae indicates that this missense variant is not expected to disrupt CHD8 protein function with a negative predictive value of 80%. In summary, the available evidence is currently insufficient to determine the role of this variant in disease. Therefore, it has been classified as a Variant of Uncertain Significance.

Women's Health and Genetics/Laboratory Corporation of America, LabCorp
Classification: Uncertain significance. Last evaluated: 2023-10-23. Review status: criteria provided, single submitter. Criteria: LabCorp Variant Classification Summary - May 2015. Collection method: clinical testing. Allele origin: germline.
Comment: Variant summary: CHD8 c.7045G>C (p.Val2349Leu) results in a conservative amino acid change in the encoded protein sequence. Four of five in-silico tools predict a benign effect of the variant on protein function. The variant allele was found at a frequency of 8e-06 in 248634 control chromosomes. The available data on variant occurrences in the general population are insufficient to allow any conclusion about variant significance. To our knowledge, no occurrence of c.7045G>C in individuals affected with CHD8-Related Disorders and no experimental evidence demonstrating its impact on protein function have been reported. One submitter has cited clinical-significance assessments for this variant to ClinVar after 2014 and has classified the variant as uncertain significance. Based on the evidence outlined above, the variant was classified as uncertain significance.